The following is an entry in ClinVar:

NM_001276270.2(MBD4):c.26dup (p.Ser10fs)

Genes: MBD4 (methyl-CpG binding domain 4, DNA glycosylase; minus strand), LOC129937550 (ATAC-STARR-seq lymphoblastoid active region 20512; plus strand). Cytogenetic location: 3q21.3.
Variant type: Duplication.
Coding change: c.26dup on transcript NM_001276270.2 (MANE Select); coding-DNA position 26, one base duplicated (T; older notation c.26dupT).
Protein change: p.Ser10fs; shifts the reading frame from serine 10.
Molecular consequence: frameshift variant.
Genome position (GRCh38, 1-based): chr3:129,439,808, A duplicated on the plus strand (T on the coding strand, the reverse complement: MBD4 is on the minus strand). VCF-style (leftmost placement, unchanged base first): chr3-129439807-C-CA. GRCh37 (hg19) VCF-style: chr3-129158650-C-CA.
Other names: c.26dupT (NM_001276270.2); c.26dup, p.Ser10fs (NM_001276271.2, NM_001276272.2, NM_001276273.2 and 1 more transcripts); short protein forms S10fs.
Identifiers: ClinVar variation 4104615 (VCV004104615.2).

ClinVar aggregate classification (germline): Pathogenic/Likely pathogenic. Review status: criteria provided, multiple submitters, no conflicts (2 of 4 stars). 2 submissions from 2 submitters: Pathogenic (1); Likely pathogenic (1). Last evaluated 2025-08-01.

Conditions:
Inborn genetic diseases. Identifiers: MedGen C0950123, MeSH D030342.

Submissions (2):

Ambry Genetics
Classification: Likely pathogenic for Inborn genetic diseases. Last evaluated: 2025-08-01. Review status: criteria provided, single submitter. Criteria: Ambry Variant Classification Scheme 2023. Collection method: clinical testing. Allele origin: germline.
Comment: The c.26dupT variant, located in coding exon 1 of the MBD4 gene, results from a duplication of T at nucleotide position 26, causing a translational frameshift with a predicted alternate stop codon (p.S10Efs*14). The predicted stop codon occurs in the 5&rsquo; end of theMBD4 gene. Premature termination codons in the 5&rsquo; end of a gene have been reported to escape nonsense-mediated mRNAdecay and/or lead to re-initiation (Rivas et al. Science. 2015 May 8;348(6235):666-9; Lindeboom et al. Nat Genet. 2016 Oct;48(10):1112-8; Rhee et al. Sci Rep. 2017 May 10;7(1):1653). Direct evidence for this alteration is unavailable, however premature termination codons are typically deleterious in nature. This variant is considered to be rare based on population cohorts in the Genome Aggregation Database (gnomAD). Based on the majority of available evidence to date, this variant is likely to be pathogenic.

Labcorp Genetics (formerly Invitae), Labcorp
Classification: Pathogenic. Last evaluated: 2025-04-23. Review status: criteria provided, single submitter. Criteria: Invitae Variant Classification Sherloc (09022015). Collection method: clinical testing. Allele origin: germline.
Comment: This sequence change creates a premature translational stop signal (p.Ser10Glufs*14) in the MBD4 gene. It is expected to result in an absent or disrupted protein product. Loss-of-function variants in MBD4 are known to be pathogenic (PMID: 30049810, 35460607). This variant is not present in population databases (gnomAD no frequency). This variant has not been reported in the literature in individuals affected with MBD4-related conditions. For these reasons, this variant has been classified as Pathogenic.

Literature cited by the submitters: PubMed 30049810 (cited by Labcorp Genetics (formerly Invitae), Labcorp); PubMed 35460607 (cited by Labcorp Genetics (formerly Invitae), Labcorp).